The following is an entry in ClinVar:

NM_017802.4(DNAAF5):c.1340C>T (p.Thr447Met)

Gene: DNAAF5 (dynein axonemal assembly factor 5; plus strand). Cytogenetic location: 7p22.3.
Variant type: single nucleotide variant.
Coding change: c.1340C>T on transcript NM_017802.4 (MANE Select); coding-DNA position 1340, C replaced by T.
Protein change: p.Thr447Met; replaces threonine 447 with methionine.
Molecular consequence: missense variant. On other transcripts: non-coding transcript variant (1).
Genome position (GRCh38, 1-based): chr7:756,864, C>T. VCF-style: chr7-756864-C-T. GRCh37 (hg19) VCF-style: chr7-796501-C-T.
Other names: short protein forms T447M.
Identifiers: ClinVar variation 955032 (VCV000955032.3), dbSNP rs369586981, ClinGen allele CA4110694.
Genomic context (GRCh38, chr7:756,864, plus strand): 5'-TCGGGACGTTTGTCAGCCCTGAGGTGTTTCTGAAGCTGATCTTATCGACGCTGAAGAAGA[C>T]GCCCTCTGCCTCCGGCCTCCTGGTGCTGGCCTCCGCCATGCGGGGTTGCCCCCGAGAAGC-3'
Protein context (NP_060272.3, residues 437-457): LKLILSTLKK[Thr447Met]PSASGLLVLA

ClinVar aggregate classification (germline): Uncertain significance (1 of 4 stars; one submission).

Conditions:
Primary ciliary dyskinesia. Also called: Ciliary dyskinesia. Identifiers: Orphanet 244, MedGen C0008780, MONDO:0016575, HP:0012265.

Allele frequency attached by ClinVar (database versions not stated): gnomAD below 0.00001 and 0.00001; TOPMed below 0.00001; gnomAD exomes 0.00007 and 0.00014; ESP Exome Variant Server 0.00008; ExAC 0.00016.
gnomAD v4.1: 102 of 1,613,780 alleles (0.0063%); highest among the groups gnomAD compares: South Asian, 0.1%; 1 homozygote.

Submission:

Labcorp Genetics (formerly Invitae), Labcorp
Classification: Uncertain significance for Primary ciliary dyskinesia. Last evaluated: 2021-10-22. Review status: criteria provided, single submitter. Criteria: Invitae Variant Classification Sherloc (09022015). Collection method: clinical testing. Allele origin: germline.
Comment: This sequence change replaces threonine with methionine at codon 447 of the DNAAF5 protein (p.Thr447Met). The threonine residue is weakly conserved and there is a moderate physicochemical difference between threonine and methionine. This variant is present in population databases (rs369586981, ExAC 0.1%). This variant has not been reported in the literature in individuals affected with DNAAF5-related conditions. Algorithms developed to predict the effect of missense changes on protein structure and function are either unavailable or do not agree on the potential impact of this missense change (SIFT: "Deleterious"; PolyPhen-2: "Benign"; Align-GVGD: "Class C0"). In summary, the available evidence is currently insufficient to determine the role of this variant in disease. Therefore, it has been classified as a Variant of Uncertain Significance.